The following is an entry in ClinVar:

NM_000038.6(APC):c.6968C>A (p.Ser2323Tyr)

Gene: APC (APC regulator of Wnt signaling pathway; plus strand). Cytogenetic location: 5q22.2.
Variant type: single nucleotide variant.
Coding change: c.6968C>A on transcript NM_000038.6 (MANE Select); coding-DNA position 6968, C replaced by A.
Protein change: p.Ser2323Tyr; replaces serine 2323 with tyrosine.
Molecular consequence: missense variant.
Genome position (GRCh38, 1-based): chr5:112,842,562, C>A. VCF-style: chr5-112842562-C-A. GRCh37 (hg19) VCF-style: chr5-112178259-C-A.
Other names: c.6968C>A, p.Ser2323Tyr (NM_001127510.3, NM_001354895.2, NM_001407450.1); c.6914C>A, p.Ser2305Tyr (NM_001127511.3); c.7022C>A, p.Ser2341Tyr (NM_001354896.2, NM_001407447.1, NM_001407448.1 and 1 more transcripts); c.6998C>A, p.Ser2333Tyr (NM_001354897.2); c.6893C>A, p.Ser2298Tyr (NM_001354898.2); c.6884C>A, p.Ser2295Tyr (NM_001354899.2); c.6845C>A, p.Ser2282Tyr (NM_001354900.2); c.6791C>A, p.Ser2264Tyr (NM_001354901.2, NM_001407453.1); and 11 more; short protein forms S2232Y, S2316Y, S2341Y, S2163Y, S2194Y, S2197Y, S2222Y, S2240Y.
Identifiers: ClinVar variation 1756347 (VCV001756347.4), dbSNP rs746401478, ClinGen allele CA16036527.

ClinVar aggregate classification (germline): Uncertain significance. Review status: criteria provided, multiple submitters, no conflicts (2 of 4 stars). 2 submissions from 2 submitters: Uncertain significance (2). Last evaluated 2024-05-03.

Conditions:
Hereditary cancer-predisposing syndrome. Also called: Neoplastic Syndromes, Hereditary; Tumor predisposition; Hereditary Cancer Syndrome; Hereditary neoplastic syndrome. Identifiers: Orphanet 140162, MedGen C0027672, MeSH D009386, MONDO:0015356.
Familial adenomatous polyposis 1 (FAP1). Also called: FAMILIAL ADENOMATOUS POLYPOSIS 1, ATTENUATED; POLYPOSIS, ADENOMATOUS INTESTINAL. Identifiers: MedGen C2713442, MONDO:0021056, OMIM 175100. Disease mechanism: loss of function.

Submissions (2):

Labcorp Genetics (formerly Invitae), Labcorp
Classification: Uncertain significance for Familial adenomatous polyposis 1. Last evaluated: 2024-05-03. Review status: criteria provided, single submitter. Criteria: Invitae Variant Classification Sherloc (09022015). Collection method: clinical testing. Allele origin: germline.
Comment: This sequence change replaces serine, which is neutral and polar, with tyrosine, which is neutral and polar, at codon 2323 of the APC protein (p.Ser2323Tyr). This variant is not present in population databases (gnomAD no frequency). This variant has not been reported in the literature in individuals affected with APC-related conditions. ClinVar contains an entry for this variant (Variation ID: 1756347). Advanced modeling of protein sequence and biophysical properties (such as structural, functional, and spatial information, amino acid conservation, physicochemical variation, residue mobility, and thermodynamic stability) performed at Invitae indicates that this missense variant is not expected to disrupt APC protein function with a negative predictive value of 95%. In summary, the available evidence is currently insufficient to determine the role of this variant in disease. Therefore, it has been classified as a Variant of Uncertain Significance.

Ambry Genetics
Classification: Uncertain significance for Hereditary cancer-predisposing syndrome. Last evaluated: 2023-10-25. Review status: criteria provided, single submitter. Criteria: Ambry Variant Classification Scheme 2023. Collection method: clinical testing. Allele origin: germline.
Comment: The p.S2323Y variant (also known as c.6968C>A), located in coding exon 15 of the APC gene, results from a C to A substitution at nucleotide position 6968. The serine at codon 2323 is replaced by tyrosine, an amino acid with dissimilar properties. This amino acid position is highly conserved in available vertebrate species. In addition, in silico predictors for this gene do not accurately predict pathogenicity. Since supporting evidence is limited at this time, the clinical significance of this alteration remains unclear.